The following is an entry in ClinVar:

NM_001127511.3(APC):c.19T>G (p.Ser7Ala)

Gene: APC (APC regulator of Wnt signaling pathway; plus strand). Cytogenetic location: 5q22.2.
Variant type: single nucleotide variant.
Coding change: c.19T>G on transcript NM_001127511.3; coding-DNA position 19, T replaced by G.
Protein change: p.Ser7Ala; replaces serine 7 with alanine.
Molecular consequence: missense variant. On other transcripts: 5 prime UTR variant (8), non-coding transcript variant (1), intron variant (5).
Genome position (GRCh38, 1-based): chr5:112,707,736, T>G. VCF-style: chr5-112707736-T-G. GRCh37 (hg19) VCF-style: chr5-112043433-T-G.
Other names: c.-165T>G (NM_001354895.2, NM_001407447.1, NM_001407452.1 and 3 more transcripts); c.19T>G, p.Ser7Ala (NM_001354897.2, NM_001354902.2, NM_001407446.1); c.-1200T>G (NM_001407470.1, NM_001407472.1); c.-19+87T>G (NM_001407448.1, NM_001407450.1, NM_001407457.1 and 1 more transcripts); c.-43+87T>G (NM_001407453.1); short protein forms S7A.
Identifiers: ClinVar variation 2198866 (VCV002198866.3), dbSNP rs2149630527, ClinGen allele CA360611624.
Genomic context (GRCh38, chr5:112,707,736, plus strand): 5'-AGGTGAAGCACTCAGTTGCCTTCTCGGGCCTCGGCGCCCCCTATGTACGCCTCCCTGGGC[T>G]CGGGTCCGGTCGCCCCTTTGCCCGCTTCTGTACCACCCTCAGTTCTCGGGTCCTGGAGCA-3'

ClinVar aggregate classification (germline): Uncertain significance (1 of 4 stars; one submission).

Conditions:
Familial adenomatous polyposis 1 (FAP1). Also called: FAMILIAL ADENOMATOUS POLYPOSIS 1, ATTENUATED; POLYPOSIS, ADENOMATOUS INTESTINAL. Identifiers: MedGen C2713442, MONDO:0021056, OMIM 175100. Disease mechanism: loss of function.

Allele frequency attached by ClinVar (database versions not stated): gnomAD exomes 0.00001.
gnomAD v4.1: 10 of 1,370,604 alleles (0.00073%); highest among the groups gnomAD compares: Non-Finnish European, 0.00096%; no homozygotes.

Submission:

Labcorp Genetics (formerly Invitae), Labcorp
Classification: Uncertain significance for Familial adenomatous polyposis 1. Last evaluated: 2024-01-30. Review status: criteria provided, single submitter. Criteria: Invitae Variant Classification Sherloc (09022015). Collection method: clinical testing. Allele origin: germline.
Comment: This variant occurs in a non-coding region of the APC gene. It does not change the encoded amino acid sequence of the APC protein. This variant is not present in population databases (gnomAD no frequency). This variant has not been reported in the literature in individuals affected with APC-related conditions. In summary, the available evidence is currently insufficient to determine the role of this variant in disease. Therefore, it has been classified as a Variant of Uncertain Significance.